The following is an entry in ClinVar:

ClinVar aggregate classification (germline): Pathogenic (1 of 4 stars; one submission).

Submission:

Labcorp Genetics (formerly Invitae), Labcorp
Classification: Pathogenic. Last evaluated: 2024-09-03. Review status: criteria provided, single submitter. Criteria: Invitae Variant Classification Sherloc (09022015). Collection method: clinical testing. Allele origin: germline.
Comment: This sequence change creates a premature translational stop signal (p.Asp326Glyfs*30) in the SKIV2L gene. It is expected to result in an absent or disrupted protein product. Loss-of-function variants in SKIV2L are known to be pathogenic (PMID: 22444670). This variant is not present in population databases (gnomAD no frequency). This variant has not been reported in the literature in individuals affected with SKIV2L-related conditions. For these reasons, this variant has been classified as Pathogenic.

Literature cited by the submitters: PubMed 22444670.

NM_006929.5(SKIC2):c.972_976dup (p.Asp326fs)

Genes: SKIC2 (SKI2 subunit of superkiller complex; plus strand), LOC126859653 (CDK7 strongly-dependent group 2 enhancer GRCh37_chr6:31929542-31930741; plus strand). Cytogenetic location: 6p21.33.
Variant type: Duplication.
Coding change: c.972_976dup on transcript NM_006929.5 (MANE Select); coding-DNA positions 972 to 976, 5 bases duplicated (GCATG; older notation c.972_976dupGCATG).
Protein change: p.Asp326fs; shifts the reading frame from aspartic acid 326.
Molecular consequence: frameshift variant.
Genome position (GRCh38, 1-based): chr6:31,961,962-31,961,966, GCATG duplicated; duplicating any 5 consecutive bases within chr6:31,961,961-31,961,966 gives the same sequence; the c. name uses the placement nearest the transcript's 3' end. VCF-style (leftmost placement, unchanged base first): chr6-31961960-C-CGGCAT. GRCh37 (hg19) VCF-style: chr6-31929737-C-CGGCAT.
Other names: short protein forms D326fs.
Identifiers: ClinVar variation 3664362 (VCV003664362.2).